The following is an entry in ClinVar:

NC_012920.1(MT-CO1):m.7077G>A

Gene: MT-CO1 (mitochondrially encoded cytochrome c oxidase I; plus strand).
Variant type: single nucleotide variant.
Genome position: chrM-7077-G-A.
Identifiers: ClinVar variation 692696 (VCV000692696.1), dbSNP rs1603220764, ClinGen allele CA414791071.

ClinVar aggregate classification (germline): Uncertain significance (1 of 4 stars; one submission).

Conditions:
Leigh syndrome (NULS). Also called: Leigh's necrotizing encephalopathy; Leigh's disease; Leigh Syndrome (mtDNA deletion); Leigh Disease; Subacute necrotizing encephalopathy; Necrotizing encephalopathy infantile subacute of Leigh. Identifiers: Orphanet 506, MedGen C2931891, MONDO:0009723, OMIM 256000.

Submission:

Wong Mito Lab, Molecular and Human Genetics, Baylor College of Medicine
Classification: Uncertain significance for Leigh syndrome. Last evaluated: 2019-10-17. Review status: criteria provided, single submitter. Criteria: Modified ACMG Guidelines (Unpublished). Collection method: clinical testing. Allele origin: germline.
Comment: The NC_012920.1:m.7077G>A (YP_003024028.1:p.Gly392Ser) variant in MTCO1 gene is interpretated to be a Uncertain Significance variant based on the modified ACMG guidelines (unpublished). This variant meets the following evidence codes: BP5